The following is an entry in ClinVar:

ClinVar aggregate classification (germline): Benign/Likely benign. Review status: criteria provided, multiple submitters, no conflicts (2 of 4 stars). 5 submissions from 5 submitters: Benign (1); Likely benign (4). Last evaluated 2024-11-01.

Conditions:
Intellectual developmental disorder, autosomal recessive 7. Also called: Intellectual disability, autosomal recessive 7. Identifiers: Orphanet 88616, MedGen C1970197, MONDO:0012615, OMIM 611093.
Inborn genetic diseases. Identifiers: MedGen C0950123, MeSH D030342.

Allele frequency attached by ClinVar (database versions not stated): TOPMed 0.00079; 1000 Genomes Project 0.00200; 1000 Genomes Project 30x 0.00187; ESP Exome Variant Server 0.00054.
gnomAD v4.1: 282 of 1,607,588 alleles (0.018%); highest among the groups gnomAD compares: African/African-American, 0.34%; no homozygotes.

Submissions (5):

Blueprint Genetics
Classification: Likely benign. Last evaluated: 2024-11-01. Review status: criteria provided, single submitter. Criteria: ACMG Guidelines, 2015. Collection method: clinical testing. Allele origin: germline.

CeGaT Center for Human Genetics Tuebingen
Classification: Likely benign. Last evaluated: 2024-05-01. Review status: criteria provided, single submitter. Criteria: CeGaT Center For Human Genetics Tuebingen Variant Classification Criteria Version 2. Collection method: clinical testing. Allele origin: germline. Affected: yes. Observed: 1 variant allele.
Comment: TUSC3: BP4, BP7

Labcorp Genetics (formerly Invitae), Labcorp
Classification: Benign for Intellectual developmental disorder, autosomal recessive 7. Last evaluated: 2022-12-20. Review status: criteria provided, single submitter. Criteria: Invitae Variant Classification Sherloc (09022015). Collection method: clinical testing. Allele origin: germline.

Genetic Services Laboratory, University of Chicago
Classification: Likely benign. Last evaluated: 2019-07-03. Review status: criteria provided, single submitter. Criteria: ACMG Guidelines, 2015. Collection method: clinical testing. Allele origin: germline. Affected: no.

Ambry Genetics
Classification: Likely benign for Inborn genetic diseases. Last evaluated: 2017-01-09. Review status: criteria provided, single submitter. Criteria: Ambry Variant Classification Scheme 2023. Collection method: clinical testing. Allele origin: germline.

NM_006765.4(TUSC3):c.87C>T (p.Leu29=)

Gene: TUSC3 (tumor suppressor candidate 3; plus strand). Cytogenetic location: 8p22.
Variant type: single nucleotide variant.
Coding change: c.87C>T on transcript NM_006765.4 (MANE Select); coding-DNA position 87, C replaced by T.
Protein change: p.Leu29=; no amino-acid change (leucine 29 retained).
Molecular consequence: synonymous variant.
Genome position (GRCh38, 1-based): chr8:15,540,517, C>T. VCF-style: chr8-15540517-C-T. GRCh37 (hg19) VCF-style: chr8-15398026-C-T.
Other names: c.87C>T, p.Leu29= (NM_001356429.2, NM_178234.2).
Identifiers: ClinVar variation 588647 (VCV000588647.36), dbSNP rs78626330, ClinGen allele CA4640278.
Genomic context (GRCh38, chr8:15,540,517, plus strand): 5'-CCGTAGGCAAGCGGGGCGGCGGCTGCGGTACCTGCCCACCGGGAGCTTTCCCTTCCTTCT[C>T]CTGCTGCTGCTGCTCTGCATCCAGCTCGGGGGAGGACAGAAGAAAAAGGAGGTAGAATGG-3'
Protein context (NP_006756.2, residues 19-39): YLPTGSFPFL[Leu29=]LLLLLCIQLG